The following is an entry in ClinVar:

NM_000138.5(FBN1):c.3350G>T (p.Cys1117Phe)

Gene: FBN1 (fibrillin 1; minus strand). Cytogenetic location: 15q21.1.
Variant type: single nucleotide variant.
Coding change: c.3350G>T on transcript NM_000138.5 (MANE Select); coding-DNA position 3350, G replaced by T.
Protein change: p.Cys1117Phe; replaces cysteine 1117 with phenylalanine.
Molecular consequence: missense variant.
Genome position (GRCh38, 1-based): chr15:48,487,425, C>A on the plus strand (G>T on the coding strand, the complement: FBN1 is on the minus strand). VCF-style: chr15-48487425-C-A. GRCh37 (hg19) VCF-style: chr15-48779622-C-A.
Other names: c.3350G>T, p.Cys1117Phe (NM_001406716.1); short protein forms C1117F.
Identifiers: ClinVar variation 1810233 (VCV001810233.2), dbSNP rs137854470, ClinGen allele CA392326757.
Genomic context (GRCh38, chr15:48,487,425, plus strand): 5'-CGGTAACTTCCCTCTGTGTTATGGCAAACACCACCTCGGCATAGGAGAGGATCTCTCTGA[C>A]ACTCATCAATATCTGCAAAATGGAAATGACCATGTTAAAGGTGGGGGCCTCATCTCCTCC-3'
Protein context (NP_000129.3, residues 1107-1127): MMKNCMDIDE[Cys1117Phe]QRDPLLCRGG

ClinVar aggregate classification (germline): Pathogenic (1 of 4 stars; one submission).

Conditions:
Geleophysic dysplasia 2 (GPHYSD2). Identifiers: Orphanet 2623, MedGen C3280054, MONDO:0013612, OMIM 614185.

Submission:

Dubai Health Genomic Medicine Center, Dubai Health
Classification: Pathogenic for Geleophysic dysplasia 2. Last evaluated: 2024-10-04. Review status: criteria provided, single submitter. Criteria: ACMG Guidelines, 2015. Collection method: research. Allele origin: germline. Affected: yes.
Comment: PM2,PM5_Strong, PS2